The following is an entry in ClinVar:

ClinVar aggregate classification (germline): Uncertain significance (1 of 4 stars; one submission).

Conditions:
Progressive myoclonic epilepsy type 5. Identifiers: Orphanet 402082, MedGen C5190799.

Submission:

Labcorp Genetics (formerly Invitae), Labcorp
Classification: Uncertain significance for Progressive myoclonic epilepsy type 5. Last evaluated: 2026-01-12. Review status: criteria provided, single submitter. Criteria: Invitae Variant Classification Sherloc (09022015). Collection method: clinical testing. Allele origin: germline.
Comment: This sequence change replaces glutamine, which is neutral and polar, with proline, which is neutral and non-polar, at codon 758 of the PRICKLE2 protein (p.Gln758Pro). This variant is not present in population databases (gnomAD no frequency). This variant has not been reported in the literature in individuals affected with PRICKLE2-related conditions. ClinVar contains an entry for this variant (Variation ID: 1511330). Invitae Evidence Modeling of protein sequence and biophysical properties (such as structural, functional, and spatial information, amino acid conservation, physicochemical variation, residue mobility, and thermodynamic stability) indicates that this missense variant is not expected to disrupt PRICKLE2 protein function with a negative predictive value of 80%. In summary, the available evidence is currently insufficient to determine the role of this variant in disease. Therefore, it has been classified as a Variant of Uncertain Significance.

NM_198859.4(PRICKLE2):c.2273A>C (p.Gln758Pro)

Genes: PRICKLE2 (prickle planar cell polarity protein 2; minus strand), PRICKLE2-AS1 (PRICKLE2 antisense RNA 1; plus strand). Cytogenetic location: 3p14.1.
Variant type: single nucleotide variant.
Coding change: c.2273A>C on transcript NM_198859.4 (MANE Select); coding-DNA position 2273, A replaced by C.
Protein change: p.Gln758Pro; replaces glutamine 758 with proline.
Molecular consequence: missense variant. On other transcripts: non-coding transcript variant (1).
Genome position (GRCh38, 1-based): chr3:64,099,313, T>G on the plus strand (A>C on the coding strand, the complement: PRICKLE2 is on the minus strand). VCF-style: chr3-64099313-T-G. GRCh37 (hg19) VCF-style: chr3-64084989-T-G.
Other names: c.2273A>C, p.Gln758Pro (NM_001370528.1); short protein forms Q758P.
Identifiers: ClinVar variation 1511330 (VCV001511330.8), dbSNP rs2106935074, ClinGen allele CA353426370.